The following is an entry in ClinVar:

ClinVar aggregate classification (germline): Uncertain significance (1 of 4 stars; one submission).

gnomAD v4.1: 1 of 1,613,906 alleles (0.000062%); highest among the groups gnomAD compares: Non-Finnish European, 0.000085%; no homozygotes.

Submission:

GeneDx
Classification: Uncertain significance. Last evaluated: 2026-02-24. Review status: criteria provided, single submitter. Criteria: GeneDx Variant Classification Process June 2021. Collection method: clinical testing. Allele origin: germline.
Comment: Not observed at significant frequency in large population cohorts (gnomAD); In silico analysis suggests that this missense variant does not alter protein structure/function; Has not been previously published as pathogenic or benign to our knowledge

NM_205836.3(FBXO38):c.2257T>C (p.Ser753Pro)

Gene: FBXO38 (F-box protein 38; plus strand). Cytogenetic location: 5q32.
Variant type: single nucleotide variant.
Coding change: c.2257T>C on transcript NM_205836.3 (MANE Select); coding-DNA position 2257, T replaced by C.
Protein change: p.Ser753Pro; replaces serine 753 with proline.
Molecular consequence: missense variant. On other transcripts: intron variant (1).
Genome position (GRCh38, 1-based): chr5:148,427,551, T>C. VCF-style: chr5-148427551-T-C. GRCh37 (hg19) VCF-style: chr5-147807114-T-C.
Other names: c.2257T>C, p.Ser753Pro (NM_030793.5); c.1918+1850T>C (NM_001271723.2); short protein forms S753P.
Identifiers: ClinVar variation 5009965 (VCV005009965.1).